The following is an entry in ClinVar:

ClinVar aggregate classification (germline): Conflicting classifications of pathogenicity. Review status: criteria provided, conflicting classifications (1 of 4 stars). 3 submissions from 3 submitters: Uncertain significance (1); Benign (1); Likely benign (1). Last evaluated 2026-05-18.

Conditions:
Neurofibromatosis, type 1 (NF1). Also called: NEUROFIBROMATOSIS, TYPE I, SOMATIC; Peripheral type neurofibromatosis; VON RECKLINGHAUSEN DISEASE; Neurofibromatosis, type I. Identifiers: Orphanet 636, MedGen C0027831, MONDO:0018975, OMIM 162200. Disease mechanism: loss of function.
Cardiovascular phenotype. Identifiers: MedGen CN230736.
Hereditary cancer-predisposing syndrome. Also called: Tumor predisposition; Hereditary Cancer Syndrome; Hereditary neoplastic syndrome; Neoplastic Syndromes, Hereditary. Identifiers: Orphanet 140162, MedGen C0027672, MeSH D009386, MONDO:0015356.

Allele frequency attached by ClinVar (database versions not stated): TOPMed 0.00001.

Submissions (3):

Myriad Genetics, Inc.
Classification: Benign for Neurofibromatosis, type 1. Last evaluated: 2026-05-18. Review status: criteria provided, single submitter. Criteria: Myriad Autosomal Dominant, Autosomal Recessive and X-Linked Classification Criteria (2023). Collection method: clinical testing. Allele origin: unknown.
Comment: This variant is considered benign. This variant is a silent/synonymous amino acid change and it is not expected to impact splicing.

Quest Diagnostics Nichols Institute San Juan Capistrano
Classification: Uncertain significance. Last evaluated: 2024-09-17. Review status: criteria provided, single submitter. Criteria: Quest Diagnostics criteria. Collection method: clinical testing. Allele origin: unknown.

Ambry Genetics
Classification: Likely benign for Cardiovascular phenotype; Hereditary cancer-predisposing syndrome. Last evaluated: 2019-03-06. Review status: criteria provided, single submitter. Criteria: Ambry Variant Classification Scheme 2023. Collection method: clinical testing. Allele origin: germline.

NM_001042492.3(NF1):c.3024A>C (p.Ala1008=)

Gene: NF1 (neurofibromin 1; plus strand). Cytogenetic location: 17q11.2.
Variant type: single nucleotide variant.
Coding change: c.3024A>C on transcript NM_001042492.3 (MANE Select); coding-DNA position 3024, A replaced by C.
Protein change: p.Ala1008=; no amino-acid change (alanine 1008 retained).
Molecular consequence: synonymous variant.
Genome position (GRCh38, 1-based): chr17:31,230,293, A>C. VCF-style: chr17-31230293-A-C. GRCh37 (hg19) VCF-style: chr17-29557311-A-C.
Other names: c.3024A>C, p.Ala1008= (NM_000267.4).
Identifiers: ClinVar variation 822630 (VCV000822630.6), dbSNP rs779490777, ClinGen allele CA499230423.